The following is an entry in ClinVar:

NM_001844.5(COL2A1):c.2655A>T (p.Gly885=)

Gene: COL2A1 (collagen type II alpha 1 chain; minus strand). Cytogenetic location: 12q13.11.
Variant type: single nucleotide variant.
Coding change: c.2655A>T on transcript NM_001844.5 (MANE Select); coding-DNA position 2655, A replaced by T.
Protein change: p.Gly885=; no amino-acid change (glycine 885 retained).
Molecular consequence: synonymous variant.
Genome position (GRCh38, 1-based): chr12:47,980,033, T>A on the plus strand (A>T on the coding strand, the complement: COL2A1 is on the minus strand). VCF-style: chr12-47980033-T-A. GRCh37 (hg19) VCF-style: chr12-48373816-T-A.
Other names: c.2448A>T, p.Gly816= (NM_033150.3).
Identifiers: ClinVar variation 385956 (VCV000385956.7), dbSNP rs775834995, ClinGen allele CA6535033.

ClinVar aggregate classification (germline): Likely benign. Review status: criteria provided, multiple submitters, no conflicts (2 of 4 stars). 3 submissions from 3 submitters: Likely benign (3). Last evaluated 2026-01-26.

Allele frequency attached by ClinVar (database versions not stated): gnomAD exomes 0.00001 and 0.00002; TOPMed 0.00002; gnomAD 0.00003 and 0.00004; ExAC 0.00005.
gnomAD v4.1: 33 of 1,555,350 alleles (0.0021%); highest among the groups gnomAD compares: Non-Finnish European, 0.0025%; no homozygotes.

Submissions (3):

Labcorp Genetics (formerly Invitae), Labcorp
Classification: Likely benign. Last evaluated: 2026-01-26. Review status: criteria provided, single submitter. Criteria: Invitae Variant Classification Sherloc (09022015). Collection method: clinical testing. Allele origin: germline.

Blueprint Genetics
Classification: Likely benign. Last evaluated: 2024-01-11. Review status: criteria provided, single submitter. Criteria: ACMG Guidelines, 2015. Collection method: clinical testing. Allele origin: germline.

GeneDx
Classification: Likely benign. Last evaluated: 2016-05-05. Review status: criteria provided, single submitter. Criteria: GeneDx Variant Classification (06012015). Collection method: clinical testing. Allele origin: germline. Affected: yes.
Comment: This variant is considered likely benign or benign based on one or more of the following criteria: it is a conservative change, it occurs at a poorly conserved position in the protein, it is predicted to be benign by multiple in silico algorithms, and/or has population frequency not consistent with disease.